The following is an entry in ClinVar:

ClinVar aggregate classification (germline): Uncertain significance (1 of 4 stars; one submission).

Submission:

GeneDx
Classification: Uncertain significance. Last evaluated: 2025-05-16. Review status: criteria provided, single submitter. Criteria: GeneDx Variant Classification Process June 2021. Collection method: clinical testing. Allele origin: germline. Affected: yes.
Comment: Not observed at significant frequency in large population cohorts (gnomAD); In silico analysis supports that this missense variant has a deleterious effect on protein structure/function; Has not been previously published as pathogenic or benign to our knowledge

NM_001385079.1(PDE10A):c.1531C>G (p.His511Asp)

Gene: PDE10A (phosphodiesterase 10A; minus strand). Cytogenetic location: 6q27.
Variant type: single nucleotide variant.
Coding change: c.1531C>G on transcript NM_001385079.1 (MANE Select); coding-DNA position 1531, C replaced by G.
Protein change: p.His511Asp; replaces histidine 511 with aspartic acid.
Molecular consequence: missense variant.
Genome position (GRCh38, 1-based): chr6:165,431,433, G>C on the plus strand (C>G on the coding strand, the complement: PDE10A is on the minus strand). VCF-style: chr6-165431433-G-C. GRCh37 (hg19) VCF-style: chr6-165844921-G-C.
Other names: c.733C>G, p.His245Asp (NM_001130690.3); c.703C>G, p.His235Asp (NM_006661.4); short protein forms H235D, H245D, H511D.
Identifiers: ClinVar variation 4529619 (VCV004529619.1).
Genomic context (GRCh38, chr6:165,431,433, plus strand): 5'-AACCTCTTCTCCCTTAGGAAGCCCCTGCAAAAACACCCCAAAGACTCACCTGCACCTGAT[G>C]TATTGCTACTGAAGCCCAGGCAAGATTTGCTGTTGCAACCTAAAAAAAACAAGAAATACA-3'
Protein context (NP_001372008.1, residues 501-521): ANLAWASVAI[His511Asp]QVQVCRGLAK